The following is an entry in ClinVar:

ClinVar aggregate classification (germline): Benign (1 of 4 stars; one submission).

Allele frequency attached by ClinVar (database versions not stated): 1000 Genomes Project 0.00060; TOPMed 0.00088; gnomAD 0.00091 and 0.00094; gnomAD exomes 0.00110.
gnomAD v4.1: 403 of 398,646 alleles (0.1%); highest among the groups gnomAD compares: Middle Eastern, 0.19%; no homozygotes.

Submission:

CeGaT Center for Human Genetics Tuebingen
Classification: Benign. Last evaluated: 2026-02-01. Review status: criteria provided, single submitter. Criteria: CeGaT Center For Human Genetics Tuebingen Variant Classification Criteria Version 2. Collection method: clinical testing. Allele origin: germline. Affected: yes. Observed: 12 variant alleles.
Comment: KCNQ1OT1: BS1, BS2

NM_000218.3(KCNQ1):c.1514+5075T>C

Genes: KCNQ1 (potassium voltage-gated channel subfamily Q member 1; plus strand), KCNQ1OT1 (KCNQ1 opposite strand/antisense transcript 1; minus strand). Cytogenetic location: 11p15.5.
Variant type: single nucleotide variant.
Coding change: c.1514+5075T>C on transcript NM_000218.3 (MANE Select); 5075 bases into the intron after coding-DNA position 1514, T replaced by C.
Molecular consequence: intron variant.
Genome position (GRCh38, 1-based): chr11:2,667,156, T>C. VCF-style: chr11-2667156-T-C. GRCh37 (hg19) VCF-style: chr11-2688386-T-C.
Other names: c.1244+5075T>C (NM_001406837.1); c.1418+5075T>C (NM_001406836.1); c.974+5075T>C (NM_001406838.1); c.1133+5075T>C (NM_181798.2).
Identifiers: ClinVar variation 1694616 (VCV001694616.31), dbSNP rs375560125, ClinGen allele CA216175507.